The following is an entry in ClinVar:

ClinVar aggregate classification (germline): Uncertain significance. Review status: criteria provided, multiple submitters, no conflicts (2 of 4 stars). 2 submissions from 2 submitters: Uncertain significance (2). Last evaluated 2026-06-23.

Conditions:
Cardiovascular phenotype. Identifiers: MedGen CN230736.

Submissions (2):

Ambry Genetics
Classification: Uncertain significance for Cardiovascular phenotype. Last evaluated: 2026-06-23. Review status: criteria provided, single submitter. Criteria: Ambry Variant Classification Scheme 2023. Collection method: clinical testing. Allele origin: germline.

Labcorp Genetics (formerly Invitae), Labcorp
Classification: Uncertain significance. Last evaluated: 2023-01-15. Review status: criteria provided, single submitter. Criteria: Invitae Variant Classification Sherloc (09022015). Collection method: clinical testing. Allele origin: germline.
Comment: In summary, the available evidence is currently insufficient to determine the role of this variant in disease. Therefore, it has been classified as a Variant of Uncertain Significance. Algorithms developed to predict the effect of missense changes on protein structure and function are either unavailable or do not agree on the potential impact of this missense change (SIFT: "Deleterious"; PolyPhen-2: "Probably Damaging"; Align-GVGD: "Class C0"). This variant has not been reported in the literature in individuals affected with ALPK3-related conditions. This variant is not present in population databases (gnomAD no frequency). This sequence change replaces leucine, which is neutral and non-polar, with proline, which is neutral and non-polar, at codon 1662 of the ALPK3 protein (p.Leu1662Pro).

NM_020778.5(ALPK3):c.4379T>C (p.Leu1460Pro)

Gene: ALPK3 (alpha kinase 3; plus strand). Cytogenetic location: 15q25.3.
Variant type: single nucleotide variant.
Coding change: c.4379T>C on transcript NM_020778.5 (MANE Select); coding-DNA position 4379, T replaced by C.
Protein change: p.Leu1460Pro; replaces leucine 1460 with proline.
Molecular consequence: missense variant.
Genome position (GRCh38, 1-based): chr15:84,862,884, T>C. VCF-style: chr15-84862884-T-C. GRCh37 (hg19) VCF-style: chr15-85406115-T-C.
Other names: c.4985T>C (NM_020778.4); short protein forms L1460P.
Identifiers: ClinVar variation 2828644 (VCV002828644.5), dbSNP rs2505727658, ClinGen allele CA393363428.